The following is an entry in ClinVar:

ClinVar aggregate classification (germline): Uncertain significance. Review status: criteria provided, multiple submitters, no conflicts (2 of 4 stars). 2 submissions from 2 submitters: Uncertain significance (2). Last evaluated 2025-12-16.

Allele frequency attached by ClinVar (database versions not stated): ExAC 0.00002; 1000 Genomes Project 30x 0.00016; 1000 Genomes Project 0.00020.
gnomAD v4.1: 16 of 1,614,128 alleles (0.00099%); highest among the groups gnomAD compares: African/African-American, 0.013%; no homozygotes.

Submissions (2):

Ambry Genetics
Classification: Uncertain significance. Last evaluated: 2025-12-16. Review status: criteria provided, single submitter. Criteria: Ambry Variant Classification Scheme 2023. Collection method: clinical testing. Allele origin: germline.

Labcorp Genetics (formerly Invitae), Labcorp
Classification: Uncertain significance. Last evaluated: 2022-09-27. Review status: criteria provided, single submitter. Criteria: Invitae Variant Classification Sherloc (09022015). Collection method: clinical testing. Allele origin: germline.
Comment: In summary, the available evidence is currently insufficient to determine the role of this variant in disease. Therefore, it has been classified as a Variant of Uncertain Significance. Algorithms developed to predict the effect of sequence changes on RNA splicing suggest that this variant may create or strengthen a splice site. Advanced modeling of protein sequence and biophysical properties (such as structural, functional, and spatial information, amino acid conservation, physicochemical variation, residue mobility, and thermodynamic stability) performed at Invitae indicates that this missense variant is not expected to disrupt PCK2 protein function. ClinVar contains an entry for this variant (Variation ID: 1437340). This variant has not been reported in the literature in individuals affected with PCK2-related conditions. This variant is present in population databases (rs186959087, gnomAD 0.007%). This sequence change replaces serine, which is neutral and polar, with arginine, which is basic and polar, at codon 612 of the PCK2 protein (p.Ser612Arg).

NM_004563.4(PCK2):c.1836C>G (p.Ser612Arg)

Genes: PCK2 (phosphoenolpyruvate carboxykinase 2, mitochondrial; plus strand), NRL (neural retina leucine zipper; minus strand). Cytogenetic location: 14q12.
Variant type: single nucleotide variant.
Coding change: c.1836C>G on transcript NM_004563.4 (MANE Select); coding-DNA position 1836, C replaced by G.
Protein change: p.Ser612Arg; replaces serine 612 with arginine.
Molecular consequence: missense variant. On other transcripts: intron variant (3).
Genome position (GRCh38, 1-based): chr14:24,103,877, C>G. VCF-style: chr14-24103877-C-G. GRCh37 (hg19) VCF-style: chr14-24573086-C-G.
Other names: c.1434C>G, p.Ser478Arg (NM_001291556.2, NM_001308054.2); c.-28+10845G>C (NM_001354768.3, NM_001354770.2); c.-254+10845G>C (NM_006177.5); c.1836C>G (NM_004563.2); short protein forms S478R, S612R.
Identifiers: ClinVar variation 1437340 (VCV001437340.7), dbSNP rs186959087, ClinGen allele CA7123647.
Genomic context (GRCh38, chr14:24,103,877, plus strand): 5'-CACTCAGCTGTTCTCCCTCCCCAAGGACTTCTGGGAACAGGAGGTTCGTGACATTCGGAG[C>G]TACCTGACAGAGCAGGTCAACCAGGATCTGCCCAAAGAGGTGTTGGCTGAGCTTGAGGCC-3'
Protein context (NP_004554.3, residues 602-622): FWEQEVRDIR[Ser612Arg]YLTEQVNQDL